The following is an entry in ClinVar:

ClinVar aggregate classification (germline): Uncertain significance (1 of 4 stars; one submission).

Conditions:
Charcot-Marie-Tooth disease type 1C. Also called: CHARCOT-MARIE-TOOTH NEUROPATHY, TYPE 1C; NEUROPATHY, HEREDITARY MOTOR AND SENSORY, TYPE IC; CHARCOT-MARIE-TOOTH DISEASE, DEMYELINATING, TYPE 1C; CMT, SLOW NERVE CONDUCTION TYPE C; HMSN IC; Charcot-Marie-Tooth disease, type IC. Identifiers: Orphanet 101083, MedGen C0270913, MONDO:0010995, OMIM 601098.

Submission:

Labcorp Genetics (formerly Invitae), Labcorp
Classification: Uncertain significance for Charcot-Marie-Tooth disease type 1C. Last evaluated: 2024-09-27. Review status: criteria provided, single submitter. Criteria: Invitae Variant Classification Sherloc (09022015). Collection method: clinical testing. Allele origin: germline.
Comment: This sequence change creates a premature translational stop signal (p.Thr45Serfs*13) in the LITAF gene. It is expected to result in an absent or disrupted protein product. However, the current clinical and genetic evidence is not sufficient to establish whether loss-of-function variants in LITAF cause disease. This variant is not present in population databases (gnomAD no frequency). This variant has not been reported in the literature in individuals affected with LITAF-related conditions. In summary, the available evidence is currently insufficient to determine the role of this variant in disease. Therefore, it has been classified as a Variant of Uncertain Significance.

NM_001136472.2(LITAF):c.132_172del (p.Thr45fs)

Gene: LITAF (lipopolysaccharide induced TNF factor; minus strand). Cytogenetic location: 16p13.13.
Variant type: Deletion.
Coding change: c.132_172del on transcript NM_001136472.2 (MANE Select); coding-DNA positions 132 to 172, 41 bases deleted.
Protein change: p.Thr45fs; shifts the reading frame from threonine 45.
Molecular consequence: frameshift variant. On other transcripts: non-coding transcript variant (1).
Genome position (GRCh38, 1-based): chr16:11,556,559-11,556,599, 41 bases deleted; deleting any 41 consecutive bases within chr16:11,556,559-11,556,600 gives the same sequence; the c. name uses the placement nearest the transcript's 3' end. GRCh37 (hg19): chr16:11,650,416-11,650,456.
Other names: c.132_172del, p.Thr45fs (NM_001136473.1, NM_004862.4); short protein forms T45fs.
Identifiers: ClinVar variation 3721685 (VCV003721685.2).
Genomic context (GRCh38, chr16:11,556,558, plus strand): 5'-AGGCCACACGTACTTGGATTGTTATTGGGGATGGGCGCTGGCTGGGTATAATACGAAGGA[GGATTCATGCCCTTCCCATCAGGCCCCGTCACAAGCCCCGTA>G]GTTGGCCCAGGCATGGGAGCTGGAGGTGTGGGGTAATAACTGTTAACAGCCACTGTCTCT-3'